The following is an entry in ClinVar:

ClinVar aggregate classification (germline): Uncertain significance (1 of 4 stars; one submission).

Conditions:
Inborn genetic diseases. Identifiers: MedGen C0950123, MeSH D030342.

Submission:

Ambry Genetics
Classification: Uncertain significance for Inborn genetic diseases. Last evaluated: 2026-06-28. Review status: criteria provided, single submitter. Criteria: Ambry Variant Classification Scheme 2023. Collection method: clinical testing. Allele origin: germline.
Comment: The p.D6H variant (also known as c.16G>C), located in coding exon 1 of the RECQL4 gene, results from a G to C substitution at nucleotide position 16. The aspartic acid at codon 6 is replaced by histidine, an amino acid with similar properties. This amino acid position is conserved. In addition, this alteration is predicted to be tolerated by in silico analysis. Based on the available evidence, the clinical significance of this variant remains unclear.

NM_004260.4(RECQL4):c.16G>C (p.Asp6His)

Genes: RECQL4 (RecQ like helicase 4; minus strand), LOC130001411 (ATAC-STARR-seq lymphoblastoid silent region 19699; plus strand). Cytogenetic location: 8q24.3.
Variant type: single nucleotide variant.
Coding change: c.16G>C on transcript NM_004260.4 (MANE Select); coding-DNA position 16, G replaced by C.
Protein change: p.Asp6His; replaces aspartic acid 6 with histidine.
Molecular consequence: missense variant.
Genome position (GRCh38, 1-based): chr8:144,517,769, C>G on the plus strand (G>C on the coding strand, the complement: RECQL4 is on the minus strand). VCF-style: chr8-144517769-C-G. GRCh37 (hg19) VCF-style: chr8-145743153-C-G.
Other names: c.16G>C (NM_004260.3); short protein forms D6H.
Identifiers: ClinVar variation 5028077 (VCV005028077.1), dbSNP rs1009265867.